The following is an entry in ClinVar:

ClinVar aggregate classification (germline): Uncertain significance (1 of 4 stars; one submission).

Conditions:
Early-infantile DEE. Also called: Ohtahara syndrome; Early infantile epileptic encephalopathy; Early infantile epileptic encephalopathy with suppression bursts. Identifiers: Orphanet 1934, MedGen C0393706, MONDO:0800491.

Submission:

Labcorp Genetics (formerly Invitae), Labcorp
Classification: Uncertain significance for Early-infantile DEE. Last evaluated: 2023-09-27. Review status: criteria provided, single submitter. Criteria: Invitae Variant Classification Sherloc (09022015). Collection method: clinical testing. Allele origin: germline.
Comment: In summary, the available evidence is currently insufficient to determine the role of this variant in disease. Therefore, it has been classified as a Variant of Uncertain Significance. Advanced modeling of protein sequence and biophysical properties (such as structural, functional, and spatial information, amino acid conservation, physicochemical variation, residue mobility, and thermodynamic stability) has been performed at Invitae for this missense variant, however the output from this modeling did not meet the statistical confidence thresholds required to predict the impact of this variant on SCN8A protein function. This variant has not been reported in the literature in individuals affected with SCN8A-related conditions. This variant is not present in population databases (gnomAD no frequency). This sequence change replaces alanine, which is neutral and non-polar, with valine, which is neutral and non-polar, at codon 987 of the SCN8A protein (p.Ala987Val).

NM_001330260.2(SCN8A):c.2960C>T (p.Ala987Val)

Gene: SCN8A (sodium voltage-gated channel alpha subunit 8; plus strand). Cytogenetic location: 12q13.13.
Variant type: single nucleotide variant.
Coding change: c.2960C>T on transcript NM_001330260.2 (MANE Select); coding-DNA position 2960, C replaced by T.
Protein change: p.Ala987Val; replaces alanine 987 with valine.
Molecular consequence: missense variant.
Genome position (GRCh38, 1-based): chr12:51,768,923, C>T. VCF-style: chr12-51768923-C-T. GRCh37 (hg19) VCF-style: chr12-52162707-C-T.
Other names: c.2960C>T, p.Ala987Val (NM_001177984.3, NM_001369788.1, NM_014191.4); short protein forms A987V.
Identifiers: ClinVar variation 2763851 (VCV002763851.3), dbSNP rs2540265636, ClinGen allele CA384891907.